The following is an entry in ClinVar:

NM_001039213.4(CEACAM16):c.781G>A (p.Glu261Lys)

Genes: CEACAM16 (CEA cell adhesion molecule 16, tectorial membrane component; plus strand), CEACAM16-AS1 (CEACAM16, CEACAM19 and PVR antisense RNA 1; minus strand). Cytogenetic location: 19q13.32.
Variant type: single nucleotide variant.
Coding change: c.781G>A on transcript NM_001039213.4 (MANE Select); coding-DNA position 781, G replaced by A.
Protein change: p.Glu261Lys; replaces glutamic acid 261 with lysine.
Molecular consequence: missense variant.
Genome position (GRCh38, 1-based): chr19:44,705,709, G>A. VCF-style: chr19-44705709-G-A. GRCh37 (hg19) VCF-style: chr19-45208979-G-A.
Other names: short protein forms E261K.
Identifiers: ClinVar variation 682251 (VCV000682251.25), dbSNP rs201188632, ClinGen allele CA9503145.

ClinVar aggregate classification (germline): Conflicting classifications of pathogenicity. Review status: criteria provided, conflicting classifications (1 of 4 stars). 5 submissions from 5 submitters: Uncertain significance (2); Likely benign (3). Last evaluated 2026-03-17.

Conditions:
CEACAM16-related disorder. Also called: CEACAM16-related condition.

Allele frequency attached by ClinVar (database versions not stated): gnomAD exomes 0.00013; ExAC 0.00016; 1000 Genomes Project 0.00040; 1000 Genomes Project 30x 0.00047; gnomAD 0.00048; TOPMed 0.00061; ESP Exome Variant Server 0.00095.

Submissions (5):

PreventionGenetics, part of Exact Sciences
Classification: Likely benign for CEACAM16-related condition. Last evaluated: 2026-03-17. Review status: criteria provided, single submitter. Criteria: ACMG Guidelines, 2015. Collection method: clinical testing. Allele origin: germline.
Comment: This variant is classified as likely benign based on ACMG/AMP sequence variant interpretation guidelines (Richards et al. 2015 PMID: 25741868, with internal and published modifications).

CeGaT Center for Human Genetics Tuebingen
Classification: Uncertain significance. Last evaluated: 2025-09-01. Review status: criteria provided, single submitter. Criteria: CeGaT Center For Human Genetics Tuebingen Variant Classification Criteria Version 2. Collection method: clinical testing. Allele origin: germline. Affected: yes. Observed: 1 variant allele.
Comment: CEACAM16: PM2

Labcorp Genetics (formerly Invitae), Labcorp
Classification: Likely benign. Last evaluated: 2025-08-29. Review status: criteria provided, single submitter. Criteria: Invitae Variant Classification Sherloc (09022015). Collection method: clinical testing. Allele origin: germline.

GeneDx
Classification: Likely benign. Last evaluated: 2020-07-14. Review status: criteria provided, single submitter. Criteria: GeneDx Variant Classification Process June 2021. Collection method: clinical testing. Allele origin: germline. Affected: yes.

ARUP Laboratories, Molecular Genetics and Genomics, ARUP Laboratories
Classification: Uncertain significance. Last evaluated: 2019-11-07. Review status: criteria provided, single submitter. Criteria: ARUP Molecular Germline Variant Investigation Process. Collection method: clinical testing. Allele origin: germline.
Comment: The p.Glu261Lys variant (rs201188632) has not been reported in the medical literature in association with hearing loss. It is listed in the NHLBI GO Exome Sequencing Project (ESP) with an allele frequency in African Americans of 0.26% (identified in 11 out of 4,220 chromosomes), and in the Exome Aggregation Consortium (ExAC) browser with a frequency in African populations of 0.18% (identified in 18 out of 9,774 chromosomes). The glutamic acid at codon 261 is highly conserved considering 19 species up to Dolphin (Alamut software v2.8.1), although computational analyses suggest this variant does not have a significant effect on CEACAM16 protein structure/function (SIFT: tolerated, PolyPhen2: benign, and Mutation Taster: polymorphism). Thus, based on the available information, the clinical significance of the p.Glu261Lys variant cannot be determined with certainty.